The following is an entry in ClinVar:

ClinVar aggregate classification (germline): Uncertain significance. Review status: criteria provided, multiple submitters, no conflicts (2 of 4 stars). 2 submissions from 2 submitters: Uncertain significance (2). Last evaluated 2026-07-29.

Conditions:
Inborn genetic diseases. Identifiers: MedGen C0950123, MeSH D030342.
Spastic paraplegia. Identifiers: MedGen C0037772, HP:0001258.

Allele frequency attached by ClinVar (database versions not stated): TOPMed 0.00001; gnomAD 0.00001.
gnomAD v4.1: 30 of 1,614,034 alleles (0.0019%); highest among the groups gnomAD compares: Non-Finnish European, 0.0025%; no homozygotes.

Submissions (2):

Ambry Genetics
Classification: Uncertain significance for Inborn genetic diseases. Last evaluated: 2026-07-29. Review status: criteria provided, single submitter. Criteria: Ambry Variant Classification Scheme 2023. Collection method: clinical testing. Allele origin: germline.
Comment: The c.1236T>A (p.D412E) alteration is located in exon 8 (coding exon 7) of the SACS gene. This alteration results from a T to A substitution at nucleotide position 1236, causing the aspartic acid (D) at amino acid position 412 to be replaced by a glutamic acid (E). Based on data from gnomAD, the A allele has an overall frequency of 0.001% (3/282784) total alleles studied. The highest observed frequency was 0.002% (3/129110) of European (non-Finnish) alleles. Based on insufficient or conflicting evidence, the clinical significance of this alteration remains unclear.

Labcorp Genetics (formerly Invitae), Labcorp
Classification: Uncertain significance for Spastic paraplegia. Last evaluated: 2024-05-23. Review status: criteria provided, single submitter. Criteria: Invitae Variant Classification Sherloc (09022015). Collection method: clinical testing. Allele origin: germline.
Comment: This sequence change replaces aspartic acid, which is acidic and polar, with glutamic acid, which is acidic and polar, at codon 412 of the SACS protein (p.Asp412Glu). The frequency data for this variant in the population databases is considered unreliable, as metrics indicate poor data quality at this position in the gnomAD database. This variant has not been reported in the literature in individuals affected with SACS-related conditions. ClinVar contains an entry for this variant (Variation ID: 1492995). Advanced modeling of protein sequence and biophysical properties (such as structural, functional, and spatial information, amino acid conservation, physicochemical variation, residue mobility, and thermodynamic stability) performed at Invitae indicates that this missense variant is not expected to disrupt SACS protein function with a negative predictive value of 95%. In summary, the available evidence is currently insufficient to determine the role of this variant in disease. Therefore, it has been classified as a Variant of Uncertain Significance.

NM_014363.6(SACS):c.1236T>A (p.Asp412Glu)

Gene: SACS (sacsin molecular chaperone; minus strand). Cytogenetic location: 13q12.12.
Variant type: single nucleotide variant.
Coding change: c.1236T>A on transcript NM_014363.6 (MANE Select); coding-DNA position 1236, T replaced by A.
Protein change: p.Asp412Glu; replaces aspartic acid 412 with glutamic acid.
Molecular consequence: missense variant.
Genome position (GRCh38, 1-based): chr13:23,355,376, A>T on the plus strand (T>A on the coding strand, the complement: SACS is on the minus strand). VCF-style: chr13-23355376-A-T. GRCh37 (hg19) VCF-style: chr13-23929515-A-T.
Other names: c.795T>A, p.Asp265Glu (NM_001278055.2); c.1236T>A (NM_014363.4); short protein forms D412E, D265E.
Identifiers: ClinVar variation 1492995 (VCV001492995.8), dbSNP rs752472671, ClinGen allele CA6911946.
Genomic context (GRCh38, chr13:23,355,376, plus strand): 5'-TTCATCATCTCTGCTTGATAAAGGCATGGCTATTCCAATGATTGGGACAAATTTCAGTTC[A>T]TCAGCTAAAGAGTCAAGCTTACTACTGATCCCTCGCCCACCCACACTGTTACACACCAAC-3'
Protein context (NP_055178.3, residues 402-422): GISSKLDSLA[Asp412Glu]ELKFVPIIGI